The following is an entry in ClinVar:

NM_000159.4(GCDH):c.1127G>A (p.Gly376Glu)

Gene: GCDH (glutaryl-CoA dehydrogenase; plus strand). Cytogenetic location: 19p13.13.
Variant type: single nucleotide variant.
Coding change: c.1127G>A on transcript NM_000159.4 (MANE Select); coding-DNA position 1127, G replaced by A.
Protein change: p.Gly376Glu; replaces glycine 376 with glutamic acid.
Molecular consequence: missense variant. On other transcripts: non-coding transcript variant (2).
Genome position (GRCh38, 1-based): chr19:12,897,747, G>A. VCF-style: chr19-12897747-G-A. GRCh37 (hg19) VCF-style: chr19-13008561-G-A.
Other names: c.1127G>A, p.Gly376Glu (NM_013976.5); short protein forms G376E.
Identifiers: ClinVar variation 3768234 (VCV003768234.1).

ClinVar aggregate classification (germline): Uncertain significance (1 of 4 stars; one submission).

Submission:

Women's Health and Genetics/Laboratory Corporation of America, LabCorp
Classification: Uncertain significance. Last evaluated: 2024-12-05. Review status: criteria provided, single submitter. Criteria: LabCorp Variant Classification Summary - May 2015. Collection method: clinical testing. Allele origin: germline.
Comment: Variant summary: GCDH c.1127G>A (p.Gly376Glu) results in a non-conservative amino acid change located in the Acyl-CoA dehydrogenase, C-terminal domain (IPR009075) of the encoded protein sequence. Four of five in-silico tools predict a damaging effect of the variant on protein function. The variant was absent in 251466 control chromosomes. The available data on variant occurrences in the general population are insufficient to allow any conclusion about variant significance. c.1127G>A has been reported in the literature in at least one compound heterozygous individual affected with Glutaric Acidemia Type 1 (e.g. Heringer_2010). These data do not allow any conclusion about variant significance. To our knowledge, no experimental evidence demonstrating an impact on protein function has been reported. The following publication has been ascertained in the context of this evaluation (PMID: 21031586). No submitters have cited clinical-significance assessments for this variant to ClinVar. Based on the evidence outlined above, the variant was classified as uncertain significance.

Literature cited by the submitters: PubMed 21031586.